The following is an entry in ClinVar:

ClinVar aggregate classification (germline): Uncertain significance (1 of 4 stars; one submission).

Conditions:
X-linked myopathy with postural muscle atrophy. Also called: FHL1-Related Emery-Dreifuss Muscular Dystrophy, X-Linked. Identifiers: Orphanet 178461, MedGen C2678055, MONDO:0010401, OMIM 300696.

Allele frequency attached by ClinVar (database versions not stated): gnomAD 0.00001.

Submission:

Labcorp Genetics (formerly Invitae), Labcorp
Classification: Uncertain significance for X-linked myopathy with postural muscle atrophy. Last evaluated: 2022-10-25. Review status: criteria provided, single submitter. Criteria: Invitae Variant Classification Sherloc (09022015). Collection method: clinical testing. Allele origin: germline.
Comment: This sequence change replaces valine, which is neutral and non-polar, with glycine, which is neutral and non-polar, at codon 151 of the FHL1 protein (p.Val151Gly). This variant is not present in population databases (gnomAD no frequency). This variant has not been reported in the literature in individuals affected with FHL1-related conditions. Algorithms developed to predict the effect of missense changes on protein structure and function are either unavailable or do not agree on the potential impact of this missense change (SIFT: "Tolerated"; PolyPhen-2: "Probably Damaging"; Align-GVGD: "Class C0"). In summary, the available evidence is currently insufficient to determine the role of this variant in disease. Therefore, it has been classified as a Variant of Uncertain Significance.

NM_001159699.2(FHL1):c.500T>G (p.Val167Gly)

Gene: FHL1 (four and a half LIM domains 1; plus strand). Cytogenetic location: Xq26.3.
Variant type: single nucleotide variant.
Coding change: c.500T>G on transcript NM_001159699.2 (MANE Select); coding-DNA position 500, T replaced by G.
Protein change: p.Val167Gly; replaces valine 167 with glycine.
Molecular consequence: missense variant. On other transcripts: non-coding transcript variant (1).
Genome position (GRCh38, 1-based): chrX:136,207,912, T>G. VCF-style: chrX-136207912-T-G. GRCh37 (hg19) VCF-style: chrX-135290071-T-G.
Other names: c.452T>G, p.Val151Gly (NM_001167819.1, NM_001369326.1, NM_001369327.2 and 9 more transcripts); c.500T>G, p.Val167Gly (NM_001330659.2); c.539T>G, p.Val180Gly (NM_001159701.2); short protein forms V167G, V180G, V151G.
Identifiers: ClinVar variation 2084339 (VCV002084339.1), dbSNP rs2073889987, ClinGen allele CA414608562.
Genomic context (GRCh38, chrX:136,207,912, plus strand): 5'-ACTGCAAGCAAGTCATCGGGACTGGAAGCTTCTTCCCTAAAGGGGAGGACTTCTACTGCG[T>G]GACTTGCCATGAGACCAAGTTTGCCAAGCATTGCGTGAAGTGCAACAAGGTATGCTTTCA-3'
Protein context (NP_001153171.1, residues 157-177): FFPKGEDFYC[Val167Gly]TCHETKFAKH